The following is an entry in ClinVar:

ClinVar aggregate classification (germline): Uncertain significance (1 of 4 stars; one submission).

Conditions:
Dyskeratosis congenita. Identifiers: Orphanet 1775, MedGen C0265965, MONDO:0015780.

Allele frequency attached by ClinVar (database versions not stated): gnomAD 0.00001; gnomAD exomes 0.00001.
gnomAD v4.1: 12 of 1,613,992 alleles (0.00074%); highest among the groups gnomAD compares: East Asian, 0.0022%; no homozygotes.

Submission:

Labcorp Genetics (formerly Invitae), Labcorp
Classification: Uncertain significance for Dyskeratosis congenita. Last evaluated: 2022-07-30. Review status: criteria provided, single submitter. Criteria: Invitae Variant Classification Sherloc (09022015). Collection method: clinical testing. Allele origin: germline.
Comment: This sequence change replaces valine, which is neutral and non-polar, with isoleucine, which is neutral and non-polar, at codon 198 of the CTC1 protein (p.Val198Ile). This variant is present in population databases (no rsID available, gnomAD 0.007%). This variant has not been reported in the literature in individuals affected with CTC1-related conditions. ClinVar contains an entry for this variant (Variation ID: 1406659). Algorithms developed to predict the effect of missense changes on protein structure and function (SIFT, PolyPhen-2, Align-GVGD) all suggest that this variant is likely to be tolerated. In summary, the available evidence is currently insufficient to determine the role of this variant in disease. Therefore, it has been classified as a Variant of Uncertain Significance.

NM_025099.6(CTC1):c.592G>A (p.Val198Ile)

Gene: CTC1 (CST telomere replication complex component 1; minus strand). Cytogenetic location: 17p13.1.
Variant type: single nucleotide variant.
Coding change: c.592G>A on transcript NM_025099.6 (MANE Select); coding-DNA position 592, G replaced by A.
Protein change: p.Val198Ile; replaces valine 198 with isoleucine.
Molecular consequence: missense variant. On other transcripts: non-coding transcript variant (1).
Genome position (GRCh38, 1-based): chr17:8,238,086, C>T on the plus strand (G>A on the coding strand, the complement: CTC1 is on the minus strand). VCF-style: chr17-8238086-C-T. GRCh37 (hg19) VCF-style: chr17-8141404-C-T.
Other names: short protein forms V198I.
Identifiers: ClinVar variation 1406659 (VCV001406659.5), dbSNP rs989763856, ClinGen allele CA287539034.